The following is an entry in ClinVar:

NM_001033855.3(DCLRE1C):c.746G>A (p.Arg249His)

Gene: DCLRE1C (DNA cross-link repair 1C; minus strand). Cytogenetic location: 10p13.
Variant type: single nucleotide variant.
Coding change: c.746G>A on transcript NM_001033855.3 (MANE Select); coding-DNA position 746, G replaced by A.
Protein change: p.Arg249His; replaces arginine 249 with histidine.
Molecular consequence: missense variant. On other transcripts: non-coding transcript variant (4).
Genome position (GRCh38, 1-based): chr10:14,932,888, C>T on the plus strand (G>A on the coding strand, the complement: DCLRE1C is on the minus strand). VCF-style: chr10-14932888-C-T. GRCh37 (hg19) VCF-style: chr10-14974887-C-T.
Other names: c.386G>A, p.Arg129His (NM_001289079.2, NM_001350967.2, NM_001033857.3 and 2 more transcripts); c.746G>A, p.Arg249His (NM_001350965.2); c.401G>A, p.Arg134His (NM_001350966.2, NM_022487.4, NM_001289076.2 and 1 more transcripts); c.746G>A (NM_001033855.1); short protein forms R129H, R134H, R249H.
Identifiers: ClinVar variation 1013668 (VCV001013668.5), dbSNP rs374838779, ClinGen allele CA5416700.
Genomic context (GRCh38, chr10:14,932,888, plus strand): 5'-ACGAGAGGAATCACTTGCACACGTACCTTGGGATGCCGGCATGCATGGATCTGAGTGTTG[C>T]GGTCTGTTGTGAGATGATGAAGGATCTCAGGCATGTTCCTAAACATGTCTAGCTTATTCA-3'
Protein context (NP_001029027.1, residues 239-259): PEILHHLTTD[Arg249His]NTQIHACRHP

ClinVar aggregate classification (germline): Uncertain significance. Review status: criteria provided, multiple submitters, no conflicts (2 of 4 stars). 3 submissions from 3 submitters: Uncertain significance (2). 1 of the submissions does not count toward it. Last evaluated 2022-07-06.

Conditions:
Athabaskan severe combined immunodeficiency (SCIDA). Also called: Severe combined immunodeficiency, athabascan-type. Identifiers: MedGen C1865370.
Inborn genetic diseases. Identifiers: MedGen C0950123, MeSH D030342.
Severe combined immunodeficiency due to DCLRE1C deficiency (RS-SCID). Also called: SCID, AUTOSOMAL RECESSIVE, T CELL-NEGATIVE, B CELL-NEGATIVE, NK CELL-POSITIVE, WITH SENSITIVITY TO IONIZING RADIATION. Identifiers: Orphanet 275, MedGen C1865371, MONDO:0011225, OMIM 602450.

Allele frequency attached by ClinVar (database versions not stated): ESP Exome Variant Server 0.00008; ExAC 0.00001; TOPMed 0.00010; gnomAD 0.00011.
gnomAD v4.1: 33 of 1,614,058 alleles (0.002%); highest among the groups gnomAD compares: African/African-American, 0.027%; no homozygotes.

Submissions (3):

Labcorp Genetics (formerly Invitae), Labcorp
Classification: Uncertain significance for Athabaskan severe combined immunodeficiency. Last evaluated: 2022-07-06. Review status: criteria provided, single submitter. Criteria: Invitae Variant Classification Sherloc (09022015). Collection method: clinical testing. Allele origin: germline.
Comment: This sequence change replaces arginine, which is basic and polar, with histidine, which is basic and polar, at codon 249 of the DCLRE1C protein (p.Arg249His). This variant is present in population databases (rs374838779, gnomAD 0.02%). This variant has not been reported in the literature in individuals affected with DCLRE1C-related conditions. ClinVar contains an entry for this variant (Variation ID: 1013668). Algorithms developed to predict the effect of missense changes on protein structure and function are either unavailable or do not agree on the potential impact of this missense change (SIFT: "Deleterious"; PolyPhen-2: "Benign"; Align-GVGD: "Class C0"). In summary, the available evidence is currently insufficient to determine the role of this variant in disease. Therefore, it has been classified as a Variant of Uncertain Significance.

Ambry Genetics
Classification: Uncertain significance for Inborn genetic diseases. Last evaluated: 2021-08-12. Review status: criteria provided, single submitter. Criteria: Ambry Variant Classification Scheme 2023. Collection method: clinical testing. Allele origin: germline.

Natera, Inc.
Classification: Uncertain significance for Athabascan severe combined immunodeficiency. Last evaluated: 2020-08-13. Review status: no assertion criteria provided. Collection method: clinical testing. Allele origin: germline. Not counted in ClinVar's aggregate classification.